The following is an entry in ClinVar:

ClinVar aggregate classification (germline): Likely benign. Review status: criteria provided, multiple submitters, no conflicts (2 of 4 stars). 3 submissions from 3 submitters: Likely benign (3). Last evaluated 2026-06-01.

Conditions:
Charcot-Marie-Tooth disease type 4. Also called: Charcot-Marie-Tooth disease, type IV; Charcot-Marie-Tooth, Type 4. Identifiers: Orphanet 64749, MedGen C4082197, MONDO:0018995.
Charcot-Marie-Tooth disease. Also called: Charcot-Marie-Tooth Neuropathy; Charcot-Marie-Tooth Hereditary Neuropathy. Identifiers: Orphanet 166, MedGen C0007959, MONDO:0015626.

Allele frequency attached by ClinVar (database versions not stated): gnomAD exomes 0.00002; gnomAD 0.00003; ExAC 0.00011; 1000 Genomes Project 0.00240.
gnomAD v4.1: 7 of 1,595,974 alleles (0.00044%); highest among the groups gnomAD compares: African/African-American, 0.0041%; no homozygotes.

Submissions (3):

CeGaT Center for Human Genetics Tuebingen
Classification: Likely benign. Last evaluated: 2026-06-01. Review status: criteria provided, single submitter. Criteria: CeGaT Center For Human Genetics Tuebingen Variant Classification Criteria Version 2. Collection method: clinical testing. Allele origin: germline. Affected: yes. Observed: 2 variant alleles.
Comment: NDRG1: BP4, BP7

Labcorp Genetics (formerly Invitae), Labcorp
Classification: Likely benign for Charcot-Marie-Tooth disease type 4. Last evaluated: 2023-04-26. Review status: criteria provided, single submitter. Criteria: Invitae Variant Classification Sherloc (09022015). Collection method: clinical testing. Allele origin: germline.

Molecular Genetics Laboratory, London Health Sciences Centre
Classification: Likely benign for Charcot-Marie-Tooth disease. Review status: criteria provided, single submitter. Criteria: ACMG Guidelines, 2015. Collection method: clinical testing. Allele origin: germline. Affected: yes.

NM_006096.4(NDRG1):c.1062C>G (p.Ser354=)

Gene: NDRG1 (N-myc downstream regulated 1; minus strand). Cytogenetic location: 8q24.22.
Variant type: single nucleotide variant.
Coding change: c.1062C>G on transcript NM_006096.4 (MANE Select); coding-DNA position 1062, C replaced by G.
Protein change: p.Ser354=; no amino-acid change (serine 354 retained).
Molecular consequence: synonymous variant.
Genome position (GRCh38, 1-based): chr8:133,239,001, G>C on the plus strand (C>G on the coding strand, the complement: NDRG1 is on the minus strand). VCF-style: chr8-133239001-G-C. GRCh37 (hg19) VCF-style: chr8-134251244-G-C.
Other names: c.1062C>G, p.Ser354= (NM_001135242.2, NM_001374845.1, NM_001374846.1); c.864C>G, p.Ser288= (NM_001258432.2, NM_001374847.1); c.819C>G, p.Ser273= (NM_001258433.2); c.1113C>G, p.Ser371= (NM_001374844.1).
Identifiers: ClinVar variation 917154 (VCV000917154.15), dbSNP rs560162089, ClinGen allele CA4886433.
Genomic context (GRCh38, chr8:133,239,001, plus strand): 5'-GATGTCCAGGTGGGCCCCCTCGCTGGTGTGCGAGCGGCTGCGGGTGCCCTCGCTGGTGTG[G>C]GAGCGGCTTCGGGTGCCCTCGCTGGTGTGGGAGCGGCTGCGGGTGCCATCCAGAGAAGTG-3'
Protein context (NP_006087.2, residues 344-364): SHTSEGTRSR[Ser354=]HTSEGTRSRS